The following is an entry in ClinVar:

NM_024721.5(ZFHX4):c.7492T>C (p.Cys2498Arg)

Gene: ZFHX4 (zinc finger homeobox 4; plus strand). Cytogenetic location: 8q21.13.
Variant type: single nucleotide variant.
Coding change: c.7492T>C on transcript NM_024721.5 (MANE Select); coding-DNA position 7492, T replaced by C.
Protein change: p.Cys2498Arg; replaces cysteine 2498 with arginine.
Molecular consequence: missense variant.
Genome position (GRCh38, 1-based): chr8:76,854,413, T>C. VCF-style: chr8-76854413-T-C. GRCh37 (hg19) VCF-style: chr8-77766649-T-C.
Other names: c.7414T>C, p.Cys2472Arg (NM_001410934.1); short protein forms C2472R, C2498R.
Identifiers: ClinVar variation 3236585 (VCV003236585.1), dbSNP rs370634783, ClinGen allele CA371516856.

ClinVar aggregate classification (germline): Uncertain significance (1 of 4 stars; one submission).

Allele frequency attached by ClinVar (database versions not stated): gnomAD exomes below 0.00001.
gnomAD v4.1: 2 of 1,613,972 alleles (0.00012%); highest among the groups gnomAD compares: South Asian, 0.0011%; no homozygotes.

Submission:

Clinical Genomics Laboratory, Washington University in St. Louis
Classification: Uncertain significance. Last evaluated: 2023-11-20. Review status: criteria provided, single submitter. Criteria: ACMG Guidelines, 2015. Collection method: clinical testing. Allele origin: germline. Affected: yes.
Comment: The ZFHX4 c.7492T>C (p.Cys2498Arg) variant, to our knowledge, has not been reported in the medical literature and is absent from the general population (gnomAD v.2.1.1), indicating it is not a common variant. Computational predictors indicate that the variant is damaging, evidence that correlates with impact to ZFHX4 function. Due to limited information, the clinical significance of this variant is uncertain.